The following is an entry in ClinVar:

NM_001039348.3(EFEMP1):c.1118C>T (p.Pro373Leu)

Gene: EFEMP1 (EGF-like fibulin extracellular matrix protein 1; minus strand). Cytogenetic location: 2p16.1.
Variant type: single nucleotide variant.
Coding change: c.1118C>T on transcript NM_001039348.3 (MANE Select); coding-DNA position 1118, C replaced by T.
Protein change: p.Pro373Leu; replaces proline 373 with leucine.
Molecular consequence: missense variant.
Genome position (GRCh38, 1-based): chr2:55,871,006, G>A on the plus strand (C>T on the coding strand, the complement: EFEMP1 is on the minus strand). VCF-style: chr2-55871006-G-A. GRCh37 (hg19) VCF-style: chr2-56098141-G-A.
Other names: c.1118C>T, p.Pro373Leu (NM_001039349.3); short protein forms P373L.
Identifiers: ClinVar variation 849590 (VCV000849590.15), dbSNP rs762143333, ClinGen allele CA1668743.
Genomic context (GRCh38, chr2:55,871,006, plus strand): 5'-TTGGCTTGGTAAGACCAGAAAATCCTCACTTTCAAAAGTTCTGATTTTTCTTACTTCTCT[G>A]GTGTTAGAATGTAGGGATCTTGACAAGGATTTCGTGGATAACAACGGAAGCCGCCATGAT-3'
Protein context (NP_001034437.1, residues 363-383): NPCQDPYILT[Pro373Leu]ENRCVCPVSN

ClinVar aggregate classification (germline): Uncertain significance. Review status: criteria provided, multiple submitters, no conflicts (2 of 4 stars). 4 submissions from 4 submitters: Uncertain significance (4). Last evaluated 2025-12-17.

Conditions:
EFEMP1-related disorder. Also called: EFEMP1-related condition.
Doyne honeycomb retinal dystrophy (DHRD). Also called: DOYNE HONEYCOMB DEGENERATION OF RETINA; MALATTIA LEVENTINESE; DRUSEN, RADIAL, AUTOSOMAL DOMINANT. Identifiers: Orphanet 75376, MedGen C1832174, MONDO:0007471, OMIM 126600.

Allele frequency attached by ClinVar (database versions not stated): ExAC 0.00004; gnomAD 0.00005; gnomAD exomes 0.00006 and 0.00008; TOPMed 0.00006.
gnomAD v4.1: 130 of 1,613,542 alleles (0.0081%); highest among the groups gnomAD compares: Admixed American, 0.012%; no homozygotes.

Submissions (4):

Labcorp Genetics (formerly Invitae), Labcorp
Classification: Uncertain significance. Last evaluated: 2025-12-17. Review status: criteria provided, single submitter. Criteria: Invitae Variant Classification Sherloc (09022015). Collection method: clinical testing. Allele origin: germline.
Comment: This sequence change replaces proline, which is neutral and non-polar, with leucine, which is neutral and non-polar, at codon 373 of the EFEMP1 protein (p.Pro373Leu). This variant is present in population databases (rs762143333, gnomAD 0.01%). This missense change has been observed in individual(s) with Doyne honeycomb macular dystrophy (PMID: 36011402). ClinVar contains an entry for this variant (Variation ID: 849590). Invitae Evidence Modeling of protein sequence and biophysical properties (such as structural, functional, and spatial information, amino acid conservation, physicochemical variation, residue mobility, and thermodynamic stability) indicates that this missense variant is not expected to disrupt EFEMP1 protein function with a negative predictive value of 80%. Experimental studies have shown that this missense change does not substantially affect EFEMP1 function (PMID: 33542268). Algorithms developed to predict the effect of sequence changes on RNA splicing suggest that this variant may disrupt the consensus splice site. In summary, the available evidence is currently insufficient to determine the role of this variant in disease. Therefore, it has been classified as a Variant of Uncertain Significance.

PreventionGenetics, part of Exact Sciences
Classification: Uncertain significance for EFEMP1-related condition. Last evaluated: 2025-09-30. Review status: criteria provided, single submitter. Criteria: ACMG Guidelines, 2015. Collection method: clinical testing. Allele origin: germline.
Comment: The EFEMP1 c.1118C>T variant is predicted to result in the amino acid substitution p.Pro373Leu. This variant was reported in an individual with retinal dystrophy (supplementary data, Griffith et al. 2022. PubMed ID: 36011402). This variant is reported in 0.011% of alleles in individuals of Latino descent in gnomAD. At this time, the clinical significance of this variant is uncertain due to the absence of conclusive functional and genetic evidence.

Blueprint Genetics
Classification: Uncertain significance. Last evaluated: 2022-04-25. Review status: criteria provided, single submitter. Criteria: ACMG Guidelines, 2015. Collection method: clinical testing. Allele origin: germline.

Illumina Laboratory Services, Illumina
Classification: Uncertain significance for Doyne honeycomb retinal dystrophy. Last evaluated: 2018-01-13. Review status: criteria provided, single submitter. Criteria: ICSL Variant Classification Criteria 13 December 2019. Collection method: clinical testing. Allele origin: germline.

Literature cited by the submitters: PubMed 36011402 (cited by Labcorp Genetics (formerly Invitae), Labcorp); PubMed 33542268 (cited by Labcorp Genetics (formerly Invitae), Labcorp).